The following is an entry in ClinVar:

ClinVar aggregate classification (germline): Uncertain significance. Review status: criteria provided, multiple submitters, no conflicts (2 of 4 stars). 2 submissions from 2 submitters: Uncertain significance (2). Last evaluated 2023-08-30.

Conditions:
Pyruvate dehydrogenase E2 deficiency (PDHDD). Also called: Dihydrolipoamide Acetyltransferase (E2) Deficiency; LACTIC ACIDEMIA DUE TO DEFECT OF E2 LIPOYL TRANSACETYLASE OF THE PYRUVATE DEHYDROGENASE COMPLEX. Identifiers: Orphanet 765, Orphanet 79244, MedGen C1855565, MONDO:0009502, OMIM 245348.

Allele frequency attached by ClinVar (database versions not stated): gnomAD 0.00001; TOPMed 0.00001.
gnomAD v4.1: 9 of 1,594,910 alleles (0.00056%); highest among the groups gnomAD compares: Non-Finnish European, 0.00069%; no homozygotes.

Submissions (2):

Labcorp Genetics (formerly Invitae), Labcorp
Classification: Uncertain significance for Pyruvate dehydrogenase E2 deficiency. Last evaluated: 2023-08-30. Review status: criteria provided, single submitter. Criteria: Invitae Variant Classification Sherloc (09022015). Collection method: clinical testing. Allele origin: germline.
Comment: An algorithm developed to predict the effect of missense changes on protein structure and function (PolyPhen-2) suggests that this variant is likely to be tolerated. In summary, the available evidence is currently insufficient to determine the role of this variant in disease. Therefore, it has been classified as a Variant of Uncertain Significance. ClinVar contains an entry for this variant (Variation ID: 930797). This sequence change replaces isoleucine, which is neutral and non-polar, with leucine, which is neutral and non-polar, at codon 467 of the DLAT protein (p.Ile467Leu). This variant is present in population databases (no rsID available, gnomAD 0.007%). This variant has not been reported in the literature in individuals affected with DLAT-related conditions.

Centre for Mendelian Genomics, University Medical Centre Ljubljana
Classification: Uncertain significance for Pyruvate dehydrogenase E2 deficiency. Last evaluated: 2019-08-29. Review status: criteria provided, single submitter. Criteria: ACMG Guidelines, 2015. Collection method: clinical testing. Allele origin: unknown. Affected: yes.
Comment: This variant was classified as: Uncertain significance. The available evidence on this variant's pathogenicity is insufficient or conflicting. The following ACMG criteria were applied in classifying this variant: PM2,BP4.

NM_001931.5(DLAT):c.1399A>C (p.Ile467Leu)

Gene: DLAT (dihydrolipoamide S-acetyltransferase; plus strand). Cytogenetic location: 11q23.1.
Variant type: single nucleotide variant.
Coding change: c.1399A>C on transcript NM_001931.5 (MANE Select); coding-DNA position 1399, A replaced by C.
Protein change: p.Ile467Leu; replaces isoleucine 467 with leucine.
Molecular consequence: missense variant. On other transcripts: non-coding transcript variant (1).
Genome position (GRCh38, 1-based): chr11:112,051,234, A>C. VCF-style: chr11-112051234-A-C. GRCh37 (hg19) VCF-style: chr11-111921958-A-C.
Other names: c.937A>C, p.Ile313Leu (NM_001372042.1); c.1417A>C, p.Ile473Leu (NM_001372031.1); c.1393A>C, p.Ile465Leu (NM_001372032.1); c.1399A>C, p.Ile467Leu (NM_001372033.1); c.1366A>C, p.Ile456Leu (NM_001372034.1); c.1291A>C, p.Ile431Leu (NM_001372035.1); c.1273A>C, p.Ile425Leu (NM_001372036.1); c.1231A>C, p.Ile411Leu (NM_001372037.1); and 4 more; short protein forms I431L, I340L, I362L, I425L, I456L, I467L, I473L, I313L.
Identifiers: ClinVar variation 930797 (VCV000930797.7), dbSNP rs1221769620, ClinGen allele CA382615813.
Genomic context (GRCh38, chr11:112,051,234, plus strand): 5'-AACTTAAAATTAAAATTAAAATTAAAAAAGAAGAAACTACAGTTCTTCTTGTCTTTCCAG[A>C]TATTAGAAGGGAGAAGCAAAATTTCTGTCAATGACTTCATCATAAAAGCTTCAGCTTTGG-3'
Protein context (NP_001922.2, residues 457-477): VLLVRKELNK[Ile467Leu]LEGRSKISVN